The following is an entry in ClinVar:

NM_001127644.2(GABRA1):c.1045G>A (p.Val349Met)

Gene: GABRA1 (gamma-aminobutyric acid type A receptor subunit alpha1; plus strand). Cytogenetic location: 5q34.
Variant type: single nucleotide variant.
Coding change: c.1045G>A on transcript NM_001127644.2 (MANE Select); coding-DNA position 1045, G replaced by A.
Protein change: p.Val349Met; replaces valine 349 with methionine.
Molecular consequence: missense variant.
Genome position (GRCh38, 1-based): chr5:161,895,854, G>A. VCF-style: chr5-161895854-G-A. GRCh37 (hg19) VCF-style: chr5-161322860-G-A.
Other names: c.1045G>A, p.Val349Met (NM_000806.5, NM_001127643.2, NM_001127645.2 and 1 more transcripts); short protein forms V349M.
Identifiers: ClinVar variation 833592 (VCV000833592.13), dbSNP rs1755340949, ClinGen allele CA362180484.
Genomic context (GRCh38, chr5:161,895,854, plus strand): 5'-ATTGAGTTTGCCACAGTAAACTATTTCACTAAGAGAGGTTATGCATGGGATGGCAAAAGT[G>A]TGGTTCCAGAAAAGGTAAATGCTTTAATGGTCACTGTAGTACATCAATATTATGTCTCTT-3'
Protein context (NP_001121116.1, residues 339-359): KRGYAWDGKS[Val349Met]VPEKPKKVKD

ClinVar aggregate classification (germline): Conflicting classifications of pathogenicity. Review status: criteria provided, conflicting classifications (1 of 4 stars). 2 submissions from 2 submitters: Uncertain significance (1); Likely benign (1). Last evaluated 2025-12-28.

Conditions:
Idiopathic generalized epilepsy. Also called: Generalised epilepsy; EIG. Identifiers: MedGen C0270850, MONDO:0005579, OMIM 600669.
Epilepsy, idiopathic generalized, susceptibility to, 13. Also called: EPILEPSY, JUVENILE MYOCLONIC, SUSCEPTIBILITY TO, 5. Identifiers: Orphanet 307, Orphanet 64280, MedGen C4013473, MONDO:0012627, OMIM 611136.
Epilepsy, childhood absence 4 (ECA4). Also called: EPILEPSY, CHILDHOOD ABSENCE, SUSCEPTIBILITY TO, 4. Identifiers: Orphanet 307, MedGen C1970160.

Allele frequency attached by ClinVar (database versions not stated): gnomAD exomes below 0.00001; TOPMed below 0.00001; gnomAD 0.00001.
gnomAD v4.1: 7 of 1,613,722 alleles (0.00043%); highest among the groups gnomAD compares: Non-Finnish European, 0.00059%; no homozygotes.

Submissions (2):

GeneDx
Classification: Uncertain significance. Last evaluated: 2025-12-28. Review status: criteria provided, single submitter. Criteria: GeneDx Variant Classification Process June 2021. Collection method: clinical testing. Allele origin: germline. Affected: yes.
Comment: Not observed at significant frequency in large population cohorts (gnomAD); In silico analysis suggests that this missense variant does not alter protein structure/function; Has not been previously published as pathogenic or benign to our knowledge

Labcorp Genetics (formerly Invitae), Labcorp
Classification: Likely benign for Epilepsy, childhood absence 4; Epilepsy, idiopathic generalized, susceptibility to, 13; Idiopathic generalized epilepsy. Last evaluated: 2025-08-25. Review status: criteria provided, single submitter. Criteria: Invitae Variant Classification Sherloc (09022015). Collection method: clinical testing. Allele origin: germline.